The following is an entry in ClinVar:

ClinVar aggregate classification (germline): Uncertain significance (1 of 4 stars; one submission).

Conditions:
Cardiovascular phenotype. Identifiers: MedGen CN230736.

Submission:

Ambry Genetics
Classification: Uncertain significance for Cardiovascular phenotype. Last evaluated: 2024-02-05. Review status: criteria provided, single submitter. Criteria: Ambry Variant Classification Scheme 2023. Collection method: clinical testing. Allele origin: germline.
Comment: The p.A307G variant (also known as c.920C>G), located in coding exon 8 of the TRPM4 gene, results from a C to G substitution at nucleotide position 920. The alanine at codon 307 is replaced by glycine, an amino acid with similar properties. This amino acid position is conserved. In addition, this alteration is predicted to be tolerated by in silico analysis. Based on the available evidence, the clinical significance of this alteration remains unclear.

NM_017636.4(TRPM4):c.920C>G (p.Ala307Gly)

Gene: TRPM4 (transient receptor potential cation channel subfamily M member 4; plus strand). Cytogenetic location: 19q13.33.
Variant type: single nucleotide variant.
Coding change: c.920C>G on transcript NM_017636.4 (MANE Select); coding-DNA position 920, C replaced by G.
Protein change: p.Ala307Gly; replaces alanine 307 with glycine.
Molecular consequence: missense variant. On other transcripts: 5 prime UTR variant (1).
Genome position (GRCh38, 1-based): chr19:49,171,639, C>G. VCF-style: chr19-49171639-C-G. GRCh37 (hg19) VCF-style: chr19-49674896-C-G.
Other names: c.920C>G, p.Ala307Gly (NM_001195227.2); c.575C>G, p.Ala192Gly (NM_001321281.2); c.-634C>G (NM_001321282.2); c.398C>G, p.Ala133Gly (NM_001321283.2); c.71C>G, p.Ala24Gly (NM_001321285.2); short protein forms A133G, A192G, A24G, A307G.
Identifiers: ClinVar variation 3227037 (VCV003227037.1), dbSNP rs778825571, ClinGen allele CA406793999.
Genomic context (GRCh38, chr19:49,171,639, plus strand): 5'-GAATAGAGAACGCCACCCAGGCTCAGCTCCCATGTCTCCTCGTGGCTGGCTCAGGGGGAG[C>G]TGCGGACTGCCTGGCGGAGACCCTGGAAGACACTCTGGCCCCAGGGAGTGGGGGAGCCAG-3'
Protein context (NP_060106.2, residues 297-317): PCLLVAGSGG[Ala307Gly]ADCLAETLED